The following is an entry in ClinVar:

NM_001352754.2(ARMC9):c.622G>C (p.Glu208Gln)

Gene: ARMC9 (armadillo repeat containing 9; plus strand). Cytogenetic location: 2q37.1.
Variant type: single nucleotide variant.
Coding change: c.622G>C on transcript NM_001352754.2 (MANE Select); coding-DNA position 622, G replaced by C.
Protein change: p.Glu208Gln; replaces glutamic acid 208 with glutamine.
Molecular consequence: missense variant. On other transcripts: non-coding transcript variant (1).
Genome position (GRCh38, 1-based): chr2:231,226,798, G>C. VCF-style: chr2-231226798-G-C. GRCh37 (hg19) VCF-style: chr2-232091511-G-C.
Other names: c.622G>C, p.Glu208Gln (NM_001271466.4, NM_001291656.2, NM_001352755.2 and 5 more transcripts); short protein forms E208Q.
Identifiers: ClinVar variation 1360946 (VCV001360946.5), dbSNP rs753678888, ClinGen allele CA2159996.

ClinVar aggregate classification (germline): Uncertain significance (1 of 4 stars; one submission).

Allele frequency attached by ClinVar (database versions not stated): gnomAD 0.00001; gnomAD exomes 0.00001; ExAC 0.00002.
gnomAD v4.1: 9 of 1,613,188 alleles (0.00056%); highest among the groups gnomAD compares: East Asian, 0.02%; no homozygotes.

Submission:

Labcorp Genetics (formerly Invitae), Labcorp
Classification: Uncertain significance. Last evaluated: 2021-08-14. Review status: criteria provided, single submitter. Criteria: Invitae Variant Classification Sherloc (09022015). Collection method: clinical testing. Allele origin: germline.
Comment: This sequence change replaces glutamic acid with glutamine at codon 208 of the ARMC9 protein (p.Glu208Gln). The glutamic acid residue is moderately conserved and there is a small physicochemical difference between glutamic acid and glutamine. This variant also falls at the last nucleotide of exon 6, which is part of the consensus splice site for this exon. This variant is present in population databases (rs753678888, ExAC 0.02%). In summary, the available evidence is currently insufficient to determine the role of this variant in disease. Therefore, it has been classified as a Variant of Uncertain Significance. Variants that disrupt the consensus splice site are a relatively common cause of aberrant splicing (PMID: 17576681, 9536098). Experimental studies and prediction algorithms are not available or were not evaluated, and the effect of this variant on mRNA splicing is currently unknown. This variant has not been reported in the literature in individuals affected with ARMC9-related conditions.

Literature cited by the submitters: PubMed 17576681; PubMed 9536098.